The following is an entry in ClinVar:

NM_001367624.2(ZNF469):c.10070C>T (p.Ala3357Val)

Genes: ZNF469 (zinc finger protein 469; plus strand), LOC130059719 (ATAC-STARR-seq lymphoblastoid silent region 7848; plus strand). Cytogenetic location: 16q24.2.
Variant type: single nucleotide variant.
Coding change: c.10070C>T on transcript NM_001367624.2 (MANE Select); coding-DNA position 10070, C replaced by T.
Protein change: p.Ala3357Val; replaces alanine 3357 with valine.
Molecular consequence: missense variant.
Genome position (GRCh38, 1-based): chr16:88,437,540, C>T. VCF-style: chr16-88437540-C-T. GRCh37 (hg19) VCF-style: chr16-88503948-C-T.
Other names: NM_001127464.2:c.9986C>T; short protein forms A3357V.
Identifiers: ClinVar variation 4990078 (VCV004990078.1).

ClinVar aggregate classification (germline): Uncertain significance (1 of 4 stars; one submission).

Conditions:
ZNF469-related disorder. Also called: ZNF469-related condition.

gnomAD v4.1: 6 of 1,541,412 alleles (0.00039%); highest among the groups gnomAD compares: Admixed American, 0.0059%; no homozygotes.

Submission:

PreventionGenetics, part of Exact Sciences
Classification: Uncertain significance for ZNF469-related condition. Last evaluated: 2025-12-08. Review status: criteria provided, single submitter. Criteria: ACMG Guidelines, 2015. Collection method: clinical testing. Allele origin: germline.
Comment: The ZNF469 c.9986C>T variant is predicted to result in the amino acid substitution p.Ala3329Val. To our knowledge, this variant has not been reported in the literature. This variant is reported in 0.0082% of alleles in individuals of Latino descent in gnomAD. At this time, the clinical significance of this variant is uncertain due to the absence of conclusive functional and genetic evidence.